The following is an entry in ClinVar:

NM_001267550.2(TTN):c.57376T>G (p.Trp19126Gly)

Genes: TTN (titin; minus strand), TTN-AS1 (TTN antisense RNA 1; plus strand). Cytogenetic location: 2q31.2.
Variant type: single nucleotide variant.
Coding change: c.57376T>G on transcript NM_001267550.2 (MANE Select); coding-DNA position 57376, T replaced by G.
Protein change: p.Trp19126Gly; replaces tryptophan 19126 with glycine.
Molecular consequence: missense variant.
Genome position (GRCh38, 1-based): chr2:178,597,706, A>C on the plus strand (T>G on the coding strand, the complement: TTN is on the minus strand). VCF-style: chr2-178597706-A-C. GRCh37 (hg19) VCF-style: chr2-179462433-A-C.
Other names: c.52453T>G, p.Trp17485Gly (NM_001256850.1); c.30181T>G, p.Trp10061Gly (NM_003319.4); c.49672T>G, p.Trp16558Gly (NM_133378.4); c.30556T>G, p.Trp10186Gly (NM_133432.3); c.30757T>G, p.Trp10253Gly (NM_133437.4); short protein forms W16558G, W19126G, W10061G, W10186G, W10253G, W17485G.
Identifiers: ClinVar variation 191936 (VCV000191936.3), dbSNP rs201912036, ClinGen allele CA237915.

ClinVar aggregate classification (germline): Conflicting classifications of pathogenicity. Review status: criteria provided, conflicting classifications (1 of 4 stars). 3 submissions from 3 submitters: Uncertain significance (2); Likely benign (1). Last evaluated 2026-04-17.

Allele frequency attached by ClinVar (database versions not stated): gnomAD exomes below 0.00001 and 0.00001; ExAC 0.00001; TOPMed 0.00001.

Submissions (3):

Women's Health and Genetics/Laboratory Corporation of America, LabCorp
Classification: Uncertain significance. Last evaluated: 2026-04-17. Review status: criteria provided, single submitter. Criteria: LabCorp Variant Classification Summary - May 2015. Collection method: clinical testing. Allele origin: germline.

Blueprint Genetics
Classification: Likely benign. Last evaluated: 2023-01-12. Review status: criteria provided, single submitter. Criteria: ACMG Guidelines, 2015. Collection method: clinical testing. Allele origin: germline.

Biesecker Lab/Clinical Genomics Section, National Institutes of Health
Classification: Uncertain significance. Last evaluated: 2013-06-24. Review status: criteria provided, single submitter. Criteria: Ng et al. (Circ Cardiovasc Genet. 2013). Collection method: research. Allele origin: unknown. Observed: 1 variant allele. Study: ClinSeq.
Comment: The study set was not selected for affection status in relation to any cancer. Pathogenicity categories were based on literature curation. See Pubmed ID:23861362 for details.

Medical sequencing